The following is an entry in ClinVar:

NM_013296.5(GPSM2):c.1504A>C (p.Asn502His)

Gene: GPSM2 (G protein signaling modulator 2; plus strand). Cytogenetic location: 1p13.3.
Variant type: single nucleotide variant.
Coding change: c.1504A>C on transcript NM_013296.5 (MANE Select); coding-DNA position 1504, A replaced by C.
Protein change: p.Asn502His; replaces asparagine 502 with histidine.
Molecular consequence: missense variant.
Genome position (GRCh38, 1-based): chr1:108,922,480, A>C. VCF-style: chr1-108922480-A-C. GRCh37 (hg19) VCF-style: chr1-109465102-A-C.
Other names: c.1504A>C, p.Asn502His (NM_001321038.2, NM_001321039.3); short protein forms N502H.
Identifiers: ClinVar variation 2663487 (VCV002663487.1), dbSNP rs373972766, ClinGen allele CA983078.

ClinVar aggregate classification (germline): Uncertain significance (1 of 4 stars; one submission).

Allele frequency attached by ClinVar (database versions not stated): gnomAD exomes below 0.00001; ExAC 0.00001; gnomAD 0.00003; TOPMed 0.00005; ESP Exome Variant Server 0.00008.
gnomAD v4.1: 10 of 1,612,270 alleles (0.00062%); highest among the groups gnomAD compares: African/African-American, 0.013%; no homozygotes.

Submission:

GeneDx
Classification: Uncertain significance. Last evaluated: 2023-04-19. Review status: criteria provided, single submitter. Criteria: GeneDx Variant Classification Process June 2021. Collection method: clinical testing. Allele origin: germline. Affected: yes.
Comment: In silico analysis supports that this missense variant does not alter protein structure/function; Has not been previously published as pathogenic or benign to our knowledge